The following is an entry in ClinVar:

NM_001394862.1(PRB3):c.750C>T (p.Pro250=)

Gene: PRB3 (proline rich protein BstNI subfamily 3; minus strand). Cytogenetic location: 12p13.2.
Variant type: single nucleotide variant.
Coding change: c.750C>T on transcript NM_001394862.1 (MANE Select); coding-DNA position 750, C replaced by T.
Protein change: p.Pro250=; no amino-acid change (proline 250 retained).
Molecular consequence: synonymous variant. On other transcripts: intron variant (1).
Genome position (GRCh38, 1-based): chr12:11,267,499, G>A on the plus strand (C>T on the coding strand, the complement: PRB3 is on the minus strand). VCF-style: chr12-11267499-G-A. GRCh37 (hg19) VCF-style: chr12-11420433-G-A.
Other names: c.650-26C>T (NM_006249.5).
Identifiers: ClinVar variation 5039104 (VCV005039104.1).
Genomic context (GRCh38, chr12:11,267,499, plus strand): 5'-TGGTCCTTCTGGCTTTCCTGGACGAGGTGGGGGACCTTGGGACTGGTTTCCTCCTTGTGG[G>A]GGTGGTCCTTCTGGCTTTCCTGGACGAGGTGGGGGACCTTGAGGTTTGTTGCCTCCTTGT-3'
Protein context (NP_001381791.1, residues 240-260): PPRPGKPEGP[Pro250=]PQGGNQSQGP

ClinVar aggregate classification (germline): Likely benign (1 of 4 stars; one submission).

Submission:

CeGaT Center for Human Genetics Tuebingen
Classification: Likely benign. Last evaluated: 2026-08-01. Review status: criteria provided, single submitter. Criteria: CeGaT Center For Human Genetics Tuebingen Variant Classification Criteria Version 2. Collection method: clinical testing. Allele origin: germline. Affected: yes. Observed: 1 variant allele.
Comment: PRB3: BP4, BP7